The following is an entry in ClinVar:

NM_000245.4(MET):c.528G>C (p.Val176=)

Gene: MET (MET proto-oncogene, receptor tyrosine kinase; plus strand). Cytogenetic location: 7q31.2.
Variant type: single nucleotide variant.
Coding change: c.528G>C on transcript NM_000245.4 (MANE Select); coding-DNA position 528, G replaced by C.
Protein change: p.Val176=; no amino-acid change (valine 176 retained).
Molecular consequence: synonymous variant. On other transcripts: intron variant (1).
Genome position (GRCh38, 1-based): chr7:116,699,612, G>C. VCF-style: chr7-116699612-G-C. GRCh37 (hg19) VCF-style: chr7-116339666-G-C.
Other names: c.528G>C, p.Val176= (NM_001127500.3, NM_001324401.3); c.-91+27035G>C (NM_001324402.2).
Identifiers: ClinVar variation 3773236 (VCV003773236.1).
Genomic context (GRCh38, chr7:116,699,612, plus strand): 5'-GGAGGTTCACTGCATATTCTCCCCACAGATAGAAGAGCCCAGCCAGTGTCCTGACTGTGT[G>C]GTGAGCGCCCTGGGAGCCAAAGTCCTTTCATCTGTAAAGGACCGGTTCATCAACTTCTTT-3'
Protein context (NP_000236.2, residues 166-186): IEEPSQCPDC[Val176=]VSALGAKVLS

ClinVar aggregate classification (germline): Benign (1 of 4 stars; one submission).

Conditions:
Papillary renal cell carcinoma type 1 (RCCP1). Also called: Renal adenocarcinoma; Renal cell carcinoma 1; Renal cell carcinoma, somatic; RENAL CELL CARCINOMA, PAPILLARY, 1, SOMATIC. Identifiers: Orphanet 47044, MedGen C1336839, OMIM 605074, HP:0011797.

Submission:

Myriad Genetics, Inc.
Classification: Benign for Papillary renal cell carcinoma type 1. Last evaluated: 2024-11-06. Review status: criteria provided, single submitter. Criteria: Myriad Autosomal Dominant, Autosomal Recessive and X-Linked Classification Criteria (2023). Collection method: clinical testing. Allele origin: unknown.
Comment: This variant is considered benign. This variant is a silent/synonymous amino acid change and it is not expected to impact splicing.